The following is an entry in ClinVar:

ClinVar aggregate classification (germline): Uncertain significance (1 of 4 stars; one submission).

Conditions:
Inborn genetic diseases. Identifiers: MedGen C0950123, MeSH D030342.

Submission:

Ambry Genetics
Classification: Uncertain significance for Inborn genetic diseases. Last evaluated: 2025-06-09. Review status: criteria provided, single submitter. Criteria: Ambry Variant Classification Scheme 2023. Collection method: clinical testing. Allele origin: germline.
Comment: The p.D1074Y variant (also known as c.3220G>T), located in coding exon 15 of the MECOM gene, results from a G to T substitution at nucleotide position 3220. The aspartic acid at codon 1074 is replaced by tyrosine, an amino acid with highly dissimilar properties. This amino acid position is conserved. In addition, this alteration is predicted to be tolerated by in silico analysis. Based on the available evidence, the clinical significance of this variant remains unclear.

NM_004991.4(MECOM):c.3220G>T (p.Asp1074Tyr)

Gene: MECOM (MDS1 and EVI1 complex locus; minus strand). Cytogenetic location: 3q26.2.
Variant type: single nucleotide variant.
Coding change: c.3220G>T on transcript NM_004991.4 (MANE Select); coding-DNA position 3220, G replaced by T.
Protein change: p.Asp1074Tyr; replaces aspartic acid 1074 with tyrosine.
Molecular consequence: missense variant.
Genome position (GRCh38, 1-based): chr3:169,090,181, C>A on the plus strand (G>T on the coding strand, the complement: MECOM is on the minus strand). VCF-style: chr3-169090181-C-A. GRCh37 (hg19) VCF-style: chr3-168807969-C-A.
Other names: c.2851G>T, p.Asp951Tyr (NM_001105077.4); c.2656G>T, p.Asp886Tyr (NM_001105078.4, NM_001205194.2, NM_001366469.2 and 1 more transcripts); c.2632G>T, p.Asp878Tyr (NM_001163999.2, NM_001366470.2); c.2629G>T, p.Asp877Tyr (NM_001164000.2, NM_001366471.2, NM_001366472.2); c.3193G>T, p.Asp1065Tyr (NM_001366466.2); c.2659G>T, p.Asp887Tyr (NM_001366467.2, NM_001366468.2); c.2221G>T, p.Asp741Tyr (NM_001366473.2); c.1657G>T, p.Asp553Tyr (NM_001366474.2); short protein forms D1074Y, D553Y, D951Y, D741Y, D877Y, D886Y, D878Y, D1065Y.
Identifiers: ClinVar variation 4053336 (VCV004053336.1).